The following is an entry in ClinVar:

NM_001370466.1(NOD2):c.2548A>G (p.Arg850Gly)

Gene: NOD2 (nucleotide binding oligomerization domain containing 2; plus strand). Cytogenetic location: 16q12.1.
Variant type: single nucleotide variant.
Coding change: c.2548A>G on transcript NM_001370466.1 (MANE Select); coding-DNA position 2548, A replaced by G.
Protein change: p.Arg850Gly; replaces arginine 850 with glycine.
Molecular consequence: missense variant. On other transcripts: non-coding transcript variant (1).
Genome position (GRCh38, 1-based): chr16:50,716,973, A>G. VCF-style: chr16-50716973-A-G. GRCh37 (hg19) VCF-style: chr16-50750884-A-G.
Other names: c.2548A>G, p.Arg850Gly (NM_001293557.2); c.2629A>G, p.Arg877Gly (NM_022162.3); short protein forms R850G, R877G.
Identifiers: ClinVar variation 2937013 (VCV002937013.3), dbSNP rs1333237516, ClinGen allele CA395873941.

ClinVar aggregate classification (germline): Uncertain significance (1 of 4 stars; one submission).

Conditions:
Blau syndrome (BLAUS). Also called: ARTHROCUTANEOUVEAL GRANULOMATOSIS; GRANULOMATOSIS, FAMILIAL JUVENILE SYSTEMIC; GRANULOMATOSIS, FAMILIAL, BLAU TYPE; GRANULOMATOUS INFLAMMATORY ARTHRITIS, DERMATITIS, AND UVEITIS, FAMILIAL; JABS SYNDROME. Identifiers: Orphanet 90340, MedGen C5201146, MONDO:0008523, OMIM 186580.
Regional enteritis. Also called: Enteritis, Granulomatous. Identifiers: MedGen C0678202, MeSH D003424.

Allele frequency attached by ClinVar (database versions not stated): gnomAD exomes below 0.00001; gnomAD 0.00001; TOPMed 0.00001.

Submission:

Labcorp Genetics (formerly Invitae), Labcorp
Classification: Uncertain significance for Regional enteritis; Blau syndrome. Last evaluated: 2023-06-07. Review status: criteria provided, single submitter. Criteria: Invitae Variant Classification Sherloc (09022015). Collection method: clinical testing. Allele origin: germline.
Comment: In summary, the available evidence is currently insufficient to determine the role of this variant in disease. Therefore, it has been classified as a Variant of Uncertain Significance. This sequence change replaces arginine, which is basic and polar, with glycine, which is neutral and non-polar, at codon 877 of the NOD2 protein (p.Arg877Gly). This variant is present in population databases (no rsID available, gnomAD 0.007%). This variant has not been reported in the literature in individuals affected with NOD2-related conditions. An algorithm developed to predict the effect of missense changes on protein structure and function (PolyPhen-2) suggests that this variant is likely to be disruptive. Algorithms developed to predict the effect of sequence changes on RNA splicing suggest that this variant may disrupt the consensus splice site.